The following is an entry in ClinVar:

NM_000368.5(TSC1):c.2672dup (p.Asn891fs)

Gene: TSC1 (TSC complex subunit 1; minus strand). Cytogenetic location: 9q34.13.
Variant type: Duplication.
Coding change: c.2672dup on transcript NM_000368.5 (MANE Select); coding-DNA position 2672, one base duplicated (A; older notation c.2672dupA).
Protein change: p.Asn891fs; shifts the reading frame from asparagine 891.
Molecular consequence: frameshift variant.
Genome position (GRCh38, 1-based): chr9:132,897,564, T duplicated on the plus strand (A on the coding strand, the reverse complement: TSC1 is on the minus strand); the first of 7 consecutive T bases (chr9:132,897,564-132,897,570); duplicating any one gives the same sequence. VCF-style (leftmost placement, unchanged base first): chr9-132897563-G-GT. GRCh37 (hg19) VCF-style: chr9-135772950-G-GT.
Other names: c.2672dupA (NM_000368.5, NM_000368.4); c.2669dup, p.Asn890fs (NM_001162426.2); c.2519dup, p.Asn840fs (NM_001162427.2); c.2309dup, p.Asn770fs (NM_001362177.2); short protein forms N840fs, N770fs, N890fs, N891fs.
Identifiers: ClinVar variation 48989 (VCV000048989.23), dbSNP rs118203724, ClinGen allele CA262310.

ClinVar aggregate classification (germline): Pathogenic. Review status: criteria provided, multiple submitters, no conflicts (2 of 4 stars). 11 submissions from 11 submitters: Pathogenic (9). 2 of the submissions do not count toward it. Last evaluated 2026-07-07.

Conditions:
TSC1-related disorder. Also called: TSC1-related condition.
Hereditary cancer-predisposing syndrome. Also called: Tumor predisposition; Neoplastic Syndromes, Hereditary; Hereditary neoplastic syndrome; Hereditary Cancer Syndrome. Identifiers: Orphanet 140162, MedGen C0027672, MeSH D009386, MONDO:0015356.
Tuberous sclerosis syndrome (TSC). Also called: Tuberous Sclerosis Complex; Tuberous sclerosis. Identifiers: Orphanet 805, MedGen C0041341, MONDO:0001734.
Tuberous sclerosis 1 (TSC1). Identifiers: Orphanet 805, MedGen C1854465, MONDO:0008612, OMIM 191100.

Submissions (11):

Cambridge Genomics Laboratory, East Genomic Laboratory Hub, NHS Genomic Medicine Service
Classification: Pathogenic for Tuberous sclerosis. Last evaluated: 2026-07-07. Review status: criteria provided, single submitter. Criteria: ACGS Best Practice Guidelines for Variant Classification in Rare Disease 2020. Collection method: clinical testing. Allele origin: germline. Affected: yes.
Comment: PVS1,PS4_Moderate,PM2

GeneDx
Classification: Pathogenic. Last evaluated: 2026-01-20. Review status: criteria provided, single submitter. Criteria: GeneDx Variant Classification Process June 2021. Collection method: clinical testing. Allele origin: germline.
Comment: Frameshift variant predicted to result in protein truncation or nonsense mediated decay in a gene for which loss of function is a known mechanism of disease; Not observed at significant frequency in large population cohorts (gnomAD); Also known as 2887insA; This variant is associated with the following publications: (PMID: 10363127, 9803264, 21811971, 10227394, 9328481, 17304050, 15798777, 9863590, 36332636, 40745330, 36232477)

Labcorp Genetics (formerly Invitae), Labcorp
Classification: Pathogenic for Tuberous sclerosis 1. Last evaluated: 2025-01-31. Review status: criteria provided, single submitter. Criteria: Invitae Variant Classification Sherloc (09022015). Collection method: clinical testing. Allele origin: germline.
Comment: This sequence change creates a premature translational stop signal (p.Asn891Lysfs*13) in the TSC1 gene. It is expected to result in an absent or disrupted protein product. Loss-of-function variants in TSC1 are known to be pathogenic (PMID: 10227394, 17304050). This variant is not present in population databases (gnomAD no frequency). This premature translational stop signal has been observed in individual(s) with tuberous sclerosis complex (PMID: 9328481, 9803264, 9863590, 10363127). This variant is also known as 2887insA and 2887_2888insA. ClinVar contains an entry for this variant (Variation ID: 48989). For these reasons, this variant has been classified as Pathogenic.

Myriad Genetics, Inc.
Classification: Pathogenic for Tuberous sclerosis 1. Last evaluated: 2024-11-21. Review status: criteria provided, single submitter. Criteria: Myriad Autosomal Dominant, Autosomal Recessive and X-Linked Classification Criteria (2023). Collection method: clinical testing. Allele origin: unknown.
Comment: This variant is considered pathogenic. This variant creates a frameshift predicted to result in premature protein truncation. This variant has been reported in multiple individuals with clinical features of gene-specific disease [PMID: 21811971, 36232477].

Blueprint Genetics
Classification: Pathogenic for TSC1-related disorders. Last evaluated: 2021-12-28. Review status: criteria provided, single submitter. Criteria: ACMG Guidelines, 2015. Collection method: clinical testing. Allele origin: germline. Affected: yes. Observed: 2 variant alleles.

Genome-Nilou Lab
Classification: Pathogenic for Tuberous sclerosis 1. Last evaluated: 2021-11-07. Review status: criteria provided, single submitter. Criteria: ACMG Guidelines, 2015. Collection method: clinical testing. Allele origin: germline. Affected: no.

Ambry Genetics
Classification: Pathogenic for Hereditary cancer-predisposing syndrome. Last evaluated: 2019-04-03. Review status: criteria provided, single submitter. Criteria: Ambry Variant Classification Scheme 2023. Collection method: clinical testing. Allele origin: germline.
Comment: The c.2672dupA pathogenic mutation, located in coding exon 19 of the TSC1 gene, results from a duplication of A at nucleotide position 2672, causing a translational frameshift with a predicted alternate stop codon (p.N891Kfs*13). This alteration has been identified in multiple individuals diagnosed with tuberous sclerosis and has been reported as 2887insA and 2887-2888insA in the literature (Jones AC et al. Hum. Mol. Genet., 1997 Nov;6:2155-61; Young JM et al. Ann. Hum. Genet., 1998 May;62:203-13; Ali JB et al. J. Med. Genet., 1998 Dec;35:969-72; Dabora SL et al. Ann. Hum. Genet., 1998 Nov;62:491-504). This alteration is expected to result in loss of function by premature protein truncation or nonsense-mediated mRNA decay. As such, this alteration is interpreted as a disease-causing mutation.

Laboratory for Molecular Medicine, Mass General Brigham Personalized Medicine
Classification: Pathogenic for Tuberous sclerosis syndrome. Last evaluated: 2019-02-01. Review status: criteria provided, single submitter. Criteria: ACMG Guidelines, 2015. Collection method: clinical testing. Allele origin: germline. Inheritance: Autosomal dominant inheritance.
Comment: The p.Asn891fs variant in TSC1 has been reported in 5 individuals with tuberous sclerosis (Jones 1997, Ali 1998, Young 1998) and was absent from large population studies. This variant is predicted to cause a frameshift, which alters the protein’s amino acid sequence beginning at position 891 and leads to a premature termination codon 13 amino acids downstream. This alteration is then predicted to lead to a truncated or absent protein. Heterozygous loss of function of the TSC1 gene is an established disease mechanism in individuals with tuberous sclerosis. In summary, this variant meets criteria to be classified as pathogenic for tuberous sclerosis in an autosomal dominant manner based upon predicted impact to the protein.

Oasi Research Institute-IRCCS
Classification: Pathogenic for Tuberous sclerosis 1. Review status: criteria provided, single submitter. Criteria: ACMG Guidelines, 2015. Collection method: research. Allele origin: de novo. Affected: yes.
Comment: The genomic variant c.2672dupA is a frameshift mutation resulting from the duplication of a single nucleotide.This variant creates a premature translational stop signal and is expected to result in a protein truncation or nonsense-mediated decay. ACMG criteria: PVS1 (LOF), PP4 (phenotype match), PM2 (absent from controls), PP3 (in silico evidence), PS2 (de novo)= Pathogenic. Based on the evidence outlined above, the variant was classified as Pathogenic.

Division of Genomic Medicine, Department of Advanced Medicine, Medical Research Institute, Kanazawa Medical University
Classification: Pathogenic for Tuberous sclerosis 1. Last evaluated: 2020-06-09. Review status: no assertion criteria provided. Collection method: clinical testing. Allele origin: germline. Affected: yes. Observed: 3 variant alleles. Not counted in ClinVar's aggregate classification.

Tuberous sclerosis database (TSC1)
No classification provided. Condition: TSC. Review status: no classification provided. Criteria: Tuberous Sclerosis Database Assertion Criteria 2015. Collection method: curation. Allele origin: germline. Affected: yes. Not counted in ClinVar's aggregate classification.

Literature cited by the submitters: PubMed 10227394 (cited by Labcorp Genetics (formerly Invitae), Labcorp); PubMed 17304050 (cited by Labcorp Genetics (formerly Invitae), Labcorp); PubMed 9328481 (cited by 3 submitters); PubMed 9803264 (cited by 3 submitters); PubMed 9863590 (cited by 3 submitters); PubMed 10363127 (cited by 3 submitters); PubMed 21811971 (cited by Myriad Genetics, Inc.); PubMed 36232477 (cited by Myriad Genetics, Inc.).